The following is an entry in ClinVar:

NM_173546.3(KLHDC8B):c.869-13C>A

Gene: KLHDC8B (kelch domain containing 8B; plus strand). Cytogenetic location: 3p21.31.
Variant type: single nucleotide variant.
Coding change: c.869-13C>A on transcript NM_173546.3 (MANE Select); 13 bases into the intron before coding-DNA position 869, C replaced by A.
Molecular consequence: intron variant.
Genome position (GRCh38, 1-based): chr3:49,175,592, C>A. VCF-style: chr3-49175592-C-A. GRCh37 (hg19) VCF-style: chr3-49213025-C-A.
Identifiers: ClinVar variation 4760825 (VCV004760825.1).

ClinVar aggregate classification (germline): Uncertain significance (1 of 4 stars; one submission).

Submission:

Labcorp Genetics (formerly Invitae), Labcorp
Classification: Uncertain significance. Last evaluated: 2025-12-22. Review status: criteria provided, single submitter. Criteria: Invitae Variant Classification Sherloc (09022015). Collection method: clinical testing. Allele origin: germline.
Comment: This sequence change falls in intron 5 of the KLHDC8B gene. It does not directly change the encoded amino acid sequence of the KLHDC8B protein. The frequency data for this variant in the population databases is considered unreliable, as metrics indicate poor data quality at this position in the gnomAD database. This variant has not been reported in the literature in individuals affected with KLHDC8B-related conditions. Algorithms developed to predict the effect of sequence changes on RNA splicing suggest that this variant may disrupt the consensus splice site. In summary, the available evidence is currently insufficient to determine the role of this variant in disease. Therefore, it has been classified as a Variant of Uncertain Significance.